The following is an entry in ClinVar:

ClinVar aggregate classification (germline): Benign/Likely benign. Review status: criteria provided, multiple submitters, no conflicts (2 of 4 stars). 4 submissions from 4 submitters: Benign (2); Likely benign (2). Last evaluated 2025-12-10.

Allele frequency attached by ClinVar (database versions not stated): 1000 Genomes Project 30x 0.00047; 1000 Genomes Project 0.00060; ESP Exome Variant Server 0.00192; ExAC 0.00199; gnomAD exomes 0.00202; gnomAD 0.00219 and 0.00220.
gnomAD v4.1: 3,919 of 1,613,938 alleles (0.24%); highest among the groups gnomAD compares: Non-Finnish European, 0.28%; 21 homozygotes.

Submissions (4):

Labcorp Genetics (formerly Invitae), Labcorp
Classification: Likely benign. Last evaluated: 2025-12-10. Review status: criteria provided, single submitter. Criteria: Invitae Variant Classification Sherloc (09022015). Collection method: clinical testing. Allele origin: germline.

CeGaT Center for Human Genetics Tuebingen
Classification: Benign. Last evaluated: 2024-02-01. Review status: criteria provided, single submitter. Criteria: CeGaT Center For Human Genetics Tuebingen Variant Classification Criteria Version 2. Collection method: clinical testing. Allele origin: germline. Affected: yes. Observed: 1 variant allele.
Comment: SIX2: BS1, BS2

Mendelics
Classification: Benign. Last evaluated: 2022-05-04. Review status: criteria provided, single submitter. Criteria: Mendelics Assertion Criteria 2019. Collection method: clinical testing. Allele origin: germline.

GeneDx
Classification: Likely benign. Last evaluated: 2019-07-02. Review status: criteria provided, single submitter. Criteria: GeneDx Variant Classification Process June 2021. Collection method: clinical testing. Allele origin: germline. Affected: yes.
Comment: In silico analysis, which includes protein predictors and evolutionary conservation, supports that this variant does not alter protein structure/function; In silico analysis, which includes splice predictors and evolutionary conservation, suggests this variant may impact gene splicing. In the absence of RNA/functional studies, the actual effect of this sequence change is unknown.; This variant is associated with the following publications: (PMID: 22809486, 24429398, 18305125)

NM_016932.5(SIX2):c.722C>T (p.Pro241Leu)

Gene: SIX2 (SIX homeobox 2; minus strand). Cytogenetic location: 2p21.
Variant type: single nucleotide variant.
Coding change: c.722C>T on transcript NM_016932.5 (MANE Select); coding-DNA position 722, C replaced by T.
Protein change: p.Pro241Leu; replaces proline 241 with leucine.
Molecular consequence: missense variant.
Genome position (GRCh38, 1-based): chr2:45,006,324, G>A on the plus strand (C>T on the coding strand, the complement: SIX2 is on the minus strand). VCF-style: chr2-45006324-G-A. GRCh37 (hg19) VCF-style: chr2-45233463-G-A.
Other names: short protein forms P241L.
Identifiers: ClinVar variation 1318082 (VCV001318082.32), dbSNP rs147806994, ClinGen allele CA1642486.